The following is an entry in ClinVar:

ClinVar aggregate classification (germline): Uncertain significance. Review status: criteria provided, multiple submitters, no conflicts (2 of 4 stars). 2 submissions from 2 submitters: Uncertain significance (2). Last evaluated 2022-10-12.

Conditions:
Desbuquois dysplasia 1 (DBQD1). Also called: DESBUQUOIS DYSPLASIA 1, KIM VARIANT; MICROMELIC DWARFISM WITH VERTEBRAL AND METAPHYSEAL ABNORMALITIES AND ADVANCED CARPOTARSAL OSSIFICATION. Identifiers: Orphanet 1425, MedGen C4012146, MONDO:0009629, OMIM 251450.
Autosomal recessive inherited pseudoxanthoma elasticum (PXE). Identifiers: Orphanet 758, MedGen CN032334, MONDO:0009925, OMIM 264800.
Desbuquois dysplasia 2 (DBQD2). Also called: Baratela-Scott syndrome. Identifiers: Orphanet 1425, MedGen C4014294, MONDO:0014343, OMIM 615777.

Allele frequency attached by ClinVar (database versions not stated): TOPMed 0.00027; ExAC 0.00028; ESP Exome Variant Server 0.00038; 1000 Genomes Project 30x 0.00016; gnomAD exomes 0.00024 and 0.00027; 1000 Genomes Project 0.00020; gnomAD 0.00021 and 0.00022.
gnomAD v4.1: 436 of 1,611,566 alleles (0.027%); highest among the groups gnomAD compares: East Asian, 0.04%; no homozygotes.

Submissions (2):

Labcorp Genetics (formerly Invitae), Labcorp
Classification: Uncertain significance for Desbuquois dysplasia 1. Last evaluated: 2022-10-12. Review status: criteria provided, single submitter. Criteria: Invitae Variant Classification Sherloc (09022015). Collection method: clinical testing. Allele origin: germline.
Comment: This sequence change replaces arginine, which is basic and polar, with cysteine, which is neutral and slightly polar, at codon 586 of the XYLT1 protein (p.Arg586Cys). This variant is present in population databases (rs139179946, gnomAD 0.03%). This variant has not been reported in the literature in individuals affected with XYLT1-related conditions. ClinVar contains an entry for this variant (Variation ID: 573227). Advanced modeling of protein sequence and biophysical properties (such as structural, functional, and spatial information, amino acid conservation, physicochemical variation, residue mobility, and thermodynamic stability) performed at Invitae indicates that this missense variant is expected to disrupt XYLT1 protein function. In summary, the available evidence is currently insufficient to determine the role of this variant in disease. Therefore, it has been classified as a Variant of Uncertain Significance.

Fulgent Genetics
Classification: Uncertain significance for Autosomal recessive inherited pseudoxanthoma elasticum; Desbuquois dysplasia 2. Last evaluated: 2018-10-31. Review status: criteria provided, single submitter. Criteria: ACMG Guidelines, 2015. Collection method: clinical testing. Allele origin: unknown.

NM_022166.4(XYLT1):c.1756C>T (p.Arg586Cys)

Genes: XYLT1 (xylosyltransferase 1; minus strand), LOC102723692 (uncharacterized LOC102723692; plus strand). Cytogenetic location: 16p12.3.
Variant type: single nucleotide variant.
Coding change: c.1756C>T on transcript NM_022166.4 (MANE Select); coding-DNA position 1756, C replaced by T.
Protein change: p.Arg586Cys; replaces arginine 586 with cysteine.
Molecular consequence: missense variant. On other transcripts: non-coding transcript variant (1).
Genome position (GRCh38, 1-based): chr16:17,138,363, G>A on the plus strand (C>T on the coding strand, the complement: XYLT1 is on the minus strand). VCF-style: chr16-17138363-G-A. GRCh37 (hg19) VCF-style: chr16-17232220-G-A.
Other names: short protein forms R586C.
Identifiers: ClinVar variation 573227 (VCV000573227.7), dbSNP rs139179946, ClinGen allele CA7927801.